The following is an entry in ClinVar:

NM_004770.3(KCNB2):c.988C>T (p.Arg330Trp)

Gene: KCNB2 (potassium voltage-gated channel subfamily B member 2; plus strand). Cytogenetic location: 8q21.11.
Variant type: single nucleotide variant.
Coding change: c.988C>T on transcript NM_004770.3 (MANE Select); coding-DNA position 988, C replaced by T.
Protein change: p.Arg330Trp; replaces arginine 330 with tryptophan.
Molecular consequence: missense variant.
Genome position (GRCh38, 1-based): chr8:72,936,343, C>T. VCF-style: chr8-72936343-C-T. GRCh37 (hg19) VCF-style: chr8-73848578-C-T.
Other names: short protein forms R330W.
Identifiers: ClinVar variation 3901204 (VCV003901204.1).

ClinVar aggregate classification (germline): Uncertain significance (1 of 4 stars; one submission).

Conditions:
KCNB2-associated neurodevelopmental disorder.

Submission:

Institute of Human Genetics, University of Leipzig Medical Center
Classification: Uncertain significance for KCNB2-associated neurodevelopmental disorder. Last evaluated: 2025-04-03. Review status: criteria provided, single submitter. Criteria: ACMG Guidelines, 2015. Collection method: clinical testing. Allele origin: unknown. Inheritance: Autosomal dominant inheritance. Affected: yes.
Comment: Criteria applied: PM2,PM1_SUP,PP2,PP3

Literature cited by the submitters: PubMed 38503299.